The following is an entry in ClinVar:

NM_002076.4(GNS):c.*942A>G

Gene: GNS (glucosamine (N-acetyl)-6-sulfatase; minus strand). Cytogenetic location: 12q14.3.
Variant type: single nucleotide variant.
Coding change: c.*942A>G on transcript NM_002076.4 (MANE Select); 942 bases downstream of the stop codon, A replaced by G.
Molecular consequence: 3 prime UTR variant.
Genome position (GRCh38, 1-based): chr12:64,715,799, T>C on the plus strand (A>G on the coding strand, the complement: GNS is on the minus strand). VCF-style: chr12-64715799-T-C. GRCh37 (hg19) VCF-style: chr12-65109579-T-C.
Identifiers: ClinVar variation 310187 (VCV000310187.6), dbSNP rs12309081, ClinGen allele CA10642289.

ClinVar aggregate classification (germline): Benign. Review status: criteria provided, multiple submitters, no conflicts (2 of 4 stars). 2 submissions from 2 submitters: Benign (2). Last evaluated 2018-01-12.

Conditions:
Mucopolysaccharidosis, MPS-III-D (MPS3D). Also called: MPS IIID (Sanfilippo Syndrome Type D); MPS III D; Mucopoly-saccharidosis type 3D; N-acetylglucosamine-6-sulfate sulfatase deficiency; MPS 3D; N-ACETYLGLUCOSAMINE-6-SULFATASE DEFICIENCY. Identifiers: Orphanet 581, Orphanet 79272, MedGen C0086650, MONDO:0009658, OMIM 252940.

Allele frequency attached by ClinVar (database versions not stated): gnomAD 0.06057 and 0.06453; 1000 Genomes Project 0.05871; 1000 Genomes Project 30x 0.06355; TOPMed 0.06844.

Submissions (2):

Illumina Laboratory Services, Illumina
Classification: Benign for Mucopolysaccharidosis, MPS-III-D. Last evaluated: 2018-01-12. Review status: criteria provided, single submitter. Criteria: ICSL Variant Classification Criteria 13 December 2019. Collection method: clinical testing. Allele origin: germline.
Comment: This variant was observed in the ICSL laboratory as part of a predisposition screen in an ostensibly healthy population. It had not been previously curated by ICSL or reported in the Human Gene Mutation Database (HGMD: prior to June 1st, 2018), and was therefore a candidate for classification through an automated scoring system. Utilizing variant allele frequency, disease prevalence and penetrance estimates, and inheritance mode, an automated score was calculated to assess if this variant is too frequent to cause the disease. Based on the score and internal cut-off values, a variant classified as benign is not then subjected to further curation. The score for this variant resulted in a classification of benign for this disease.

Breakthrough Genomics
Classification: Benign. Review status: criteria provided, single submitter. Criteria: ACMG Guidelines, 2015. Collection method: not provided. Allele origin: germline. Inheritance: Autosomal recessive inheritance. Affected: yes.